The following is an entry in ClinVar:

NM_000444.6(PHEX):c.286G>T (p.Glu96Ter)

Gene: PHEX (phosphate regulating endopeptidase X-linked; plus strand). Cytogenetic location: Xp22.11.
Variant type: single nucleotide variant.
Coding change: c.286G>T on transcript NM_000444.6 (MANE Select); coding-DNA position 286, G replaced by T.
Protein change: p.Glu96Ter; replaces glutamic acid 96 with a stop codon.
Molecular consequence: nonsense.
Genome position (GRCh38, 1-based): chrX:22,047,148, G>T. VCF-style: chrX-22047148-G-T. GRCh37 (hg19) VCF-style: chrX-22065266-G-T.
Other names: c.286G>T, p.Glu96Ter (NM_001282754.2); short protein forms E96*.
Identifiers: ClinVar variation 3724106 (VCV003724106.2).

ClinVar aggregate classification (germline): Pathogenic (1 of 4 stars; one submission).

Submission:

Labcorp Genetics (formerly Invitae), Labcorp
Classification: Pathogenic. Last evaluated: 2024-02-28. Review status: criteria provided, single submitter. Criteria: Invitae Variant Classification Sherloc (09022015). Collection method: clinical testing. Allele origin: germline.
Comment: This sequence change creates a premature translational stop signal (p.Glu96*) in the PHEX gene. It is expected to result in an absent or disrupted protein product. Loss-of-function variants in PHEX are known to be pathogenic (PMID: 9097956, 9106524, 19219621). This variant is not present in population databases (gnomAD no frequency). This premature translational stop signal has been observed in individual(s) with hypophosphatemia (PMID: 20664300). For these reasons, this variant has been classified as Pathogenic.

Literature cited by the submitters: PubMed 9097956; PubMed 9106524; PubMed 19219621; PubMed 20664300.